The following is an entry in ClinVar:

NM_181699.3(PPP2R1B):c.2000A>T (p.Asp667Val)

Genes: PPP2R1B (protein phosphatase 2 scaffold subunit Abeta; minus strand), SIK2 (salt inducible kinase 2; plus strand). Cytogenetic location: 11q23.1.
Variant type: single nucleotide variant.
Coding change: c.2000A>T on transcript NM_181699.3; coding-DNA position 2000, A replaced by T.
Protein change: p.Asp667Val; replaces aspartic acid 667 with valine.
Molecular consequence: missense variant. On other transcripts: 3 prime UTR variant (1).
Genome position (GRCh38, 1-based): chr11:111,726,969, T>A on the plus strand (A>T on the coding strand, the complement: PPP2R1B is on the minus strand). VCF-style: chr11-111726969-T-A. GRCh37 (hg19) VCF-style: chr11-111597693-T-A.
Other names: c.1808A>T, p.Asp603Val (NM_181700.2); c.*2840T>A (NM_015191.3); short protein forms D603V, D667V.
Identifiers: ClinVar variation 3039930 (VCV003039930.2), dbSNP rs145742091, ClinGen allele CA6273599.

ClinVar aggregate classification (germline): Likely benign (0 of 4 stars; one submission).

Conditions:
PPP2R1B-related disorder. Also called: PPP2R1B-related condition.

Allele frequency attached by ClinVar (database versions not stated): gnomAD 0.00080; ESP Exome Variant Server 0.00085; 1000 Genomes Project 30x 0.00016; gnomAD exomes 0.00007; 1000 Genomes Project 0.00020; ExAC 0.00021; TOPMed 0.00083.
gnomAD v4.1: 222 of 1,613,656 alleles (0.014%); highest among the groups gnomAD compares: African/African-American, 0.24%; no homozygotes.

Submission:

PreventionGenetics, part of Exact Sciences
Classification: Likely benign for PPP2R1B-related condition. Last evaluated: 2022-06-01. Review status: no assertion criteria provided. Collection method: clinical testing. Allele origin: germline.
Comment: This variant is classified as likely benign based on ACMG/AMP sequence variant interpretation guidelines (Richards et al. 2015 PMID: 25741868, with internal and published modifications).